The following is an entry in ClinVar:

ClinVar aggregate classification (germline): Uncertain significance (1 of 4 stars; one submission).

Conditions:
Holoprosencephaly 5 (HPE5). Identifiers: Orphanet 2162, MedGen C1864827, MONDO:0012322, OMIM 609637.

Submission:

Labcorp Genetics (formerly Invitae), Labcorp
Classification: Uncertain significance for Holoprosencephaly 5. Last evaluated: 2024-05-22. Review status: criteria provided, single submitter. Criteria: Invitae Variant Classification Sherloc (09022015). Collection method: clinical testing. Allele origin: germline.
Comment: This variant, c.1389_1406del, results in the deletion of 6 amino acid(s) of the ZIC2 protein (p.Ala465_Ala470del), but otherwise preserves the integrity of the reading frame. This variant is not present in population databases (gnomAD no frequency). This variant has not been reported in the literature in individuals affected with ZIC2-related conditions. Experimental studies and prediction algorithms are not available or were not evaluated, and the functional significance of this variant is currently unknown. This variant disrupts a region of the ZIC2 protein in which other variant(s) (p.Ala466_Ala470del) have been observed in individuals with ZIC2-related conditions (PMID: 19177455, 32022405). This suggests that this is a clinically significant region of the protein, and that variants that disrupt it are likely to be disease-causing. In summary, the available evidence is currently insufficient to determine the role of this variant in disease. Therefore, it has been classified as a Variant of Uncertain Significance.

Literature cited by the submitters: PubMed 19177455; PubMed 32022405.

NM_007129.5(ZIC2):c.1389_1406del (p.Ala465_Ala470del)

Genes: ZIC2 (Zic family zinc finger 2; plus strand), LOC110008580 (Zic family member 2 polyalanine repeat instability region; plus strand). Cytogenetic location: 13q32.3.
Variant type: Deletion.
Coding change: c.1389_1406del on transcript NM_007129.5 (MANE Select); coding-DNA positions 1389 to 1406, 18 bases deleted (GGCTGCGGCGGCGGCGGC).
Protein change: p.Ala465_Ala470del.
Molecular consequence: inframe deletion.
Genome position (GRCh38, 1-based): chr13:99,985,472-99,985,489, GGCTGCGGCGGCGGCGGC deleted; deleting any 18 consecutive bases within chr13:99,985,461-99,985,489 gives the same sequence; the c. name uses the placement nearest the transcript's 3' end. VCF-style (leftmost placement, unchanged base first): chr13-99985460-AGCGGCGGCGGCGGCTGCG-A. GRCh37 (hg19) VCF-style: chr13-100637714-AGCGGCGGCGGCGGCTGCG-A.
Identifiers: ClinVar variation 2729832 (VCV002729832.3), dbSNP rs761822481, ClinGen allele CA703013867.